The following is an entry in ClinVar:

ClinVar aggregate classification (germline): Uncertain significance. Review status: criteria provided, multiple submitters, no conflicts (2 of 4 stars). 2 submissions from 2 submitters: Uncertain significance (2). Last evaluated 2024-04-08.

Conditions:
Inborn genetic diseases. Identifiers: MedGen C0950123, MeSH D030342.
Developmental delay, behavioral abnormalities, and neuropsychiatric disorders (DEDBANP). Identifiers: MedGen C5774224, MONDO:0859292, OMIM 620065.

gnomAD v4.1: 26 of 1,614,054 alleles (0.0016%); highest among the groups gnomAD compares: South Asian, 0.0033%; no homozygotes.

Submissions (2):

Ambry Genetics
Classification: Uncertain significance for Inborn genetic diseases. Last evaluated: 2024-04-08. Review status: criteria provided, single submitter. Criteria: Ambry Variant Classification Scheme 2023. Collection method: clinical testing. Allele origin: germline.

Clinical Genomics Laboratory, Washington University in St. Louis
Classification: Uncertain significance for Developmental delay, behavioral abnormalities, and neuropsychiatric disorders. Last evaluated: 2023-11-14. Review status: criteria provided, single submitter. Criteria: ACMG Guidelines, 2015. Collection method: clinical testing. Allele origin: germline.
Comment: The ADGRL1 c.1013G>A (p.Arg338His) variant, to our knowledge, has not been reported in the medical literature. The highest population minor allele frequency in the population database genome aggregation database (v.2.1.1) is 0.003% in the South Asian population. This variant resides the olfactomedin domain, amino acids 139-398, of ADGRL1 but it is uncertain if this is critical to the function of the protein. Furthermore, computational predictors are uncertain as to the impact of this variant on ADGRL1 function. Due to limited information, and based on ACMG/AMP guidelines for variant interpretation (Richards S et al., PMID: 25741868), the clinical significance of this variant is uncertain at this time.

NM_014921.5(ADGRL1):c.1013G>A (p.Arg338His)

Genes: ADGRL1 (adhesion G protein-coupled receptor L1; minus strand), ADGRL1-AS1 (ADGRL1 antisense RNA 1; plus strand). Cytogenetic location: 19p13.12.
Variant type: single nucleotide variant.
Coding change: c.1013G>A on transcript NM_014921.5 (MANE Select); coding-DNA position 1013, G replaced by A.
Protein change: p.Arg338His; replaces arginine 338 with histidine.
Molecular consequence: missense variant.
Genome position (GRCh38, 1-based): chr19:14,162,788, C>T on the plus strand (G>A on the coding strand, the complement: ADGRL1 is on the minus strand). VCF-style: chr19-14162788-C-T. GRCh37 (hg19) VCF-style: chr19-14273600-C-T.
Other names: c.1028G>A, p.Arg343His (NM_001008701.3); short protein forms R343H, R338H.
Identifiers: ClinVar variation 3272242 (VCV003272242.2).